The following is an entry in ClinVar:

ClinVar aggregate classification (germline): Uncertain significance. Review status: criteria provided, multiple submitters, no conflicts (2 of 4 stars). 2 submissions from 2 submitters: Uncertain significance (2). Last evaluated 2024-07-10.

Conditions:
Hereditary cancer-predisposing syndrome. Also called: Hereditary neoplastic syndrome; Neoplastic Syndromes, Hereditary; Tumor predisposition; Hereditary Cancer Syndrome. Identifiers: Orphanet 140162, MedGen C0027672, MeSH D009386, MONDO:0015356.
Ataxia-telangiectasia syndrome (AT). Also called: Ataxia-telangiectasia, complementation group D; AT, COMPLEMENTATION GROUP C; ATAXIA-TELANGIECTASIA, COMPLEMENTATION GROUP A; ATAXIA-TELANGIECTASIA, FRESNO VARIANT; Ataxia-telangiectasia; Cerebello-oculocutaneous telangiectasia. Identifiers: Orphanet 100, MedGen C0004135, MONDO:0008840, OMIM 208900.

gnomAD v4.1: 1 of 1,600,144 alleles (0.000062%); highest among the groups gnomAD compares: Non-Finnish European, 0.000086%; no homozygotes.

Submissions (2):

Ambry Genetics
Classification: Uncertain significance for Hereditary cancer-predisposing syndrome. Last evaluated: 2024-07-10. Review status: criteria provided, single submitter. Criteria: Ambry Variant Classification Scheme 2023. Collection method: clinical testing. Allele origin: germline.
Comment: The p.T1558K variant (also known as c.4673C>A), located in coding exon 30 of the ATM gene, results from a C to A substitution at nucleotide position 4673. The threonine at codon 1558 is replaced by lysine, an amino acid with similar properties. This amino acid position is well conserved in available vertebrate species. In addition, this alteration is predicted to be tolerated by in silico analysis. Based on the available evidence, the clinical significance of this variant remains unclear.

Labcorp Genetics (formerly Invitae), Labcorp
Classification: Uncertain significance for Ataxia-telangiectasia syndrome. Last evaluated: 2020-04-23. Review status: criteria provided, single submitter. Criteria: Invitae Variant Classification Sherloc (09022015). Collection method: clinical testing. Allele origin: germline.
Comment: This sequence change replaces threonine with lysine at codon 1558 of the ATM protein (p.Thr1558Lys). The threonine residue is weakly conserved and there is a moderate physicochemical difference between threonine and lysine. This variant is not present in population databases (ExAC no frequency). This variant has not been reported in the literature in individuals with ATM-related conditions. Algorithms developed to predict the effect of missense changes on protein structure and function (SIFT, PolyPhen-2, Align-GVGD) all suggest that this variant is likely to be tolerated, but these predictions have not been confirmed by published functional studies and their clinical significance is uncertain. Algorithms developed to predict the effect of sequence changes on RNA splicing suggest that this variant may create or strengthen a splice site, but this prediction has not been confirmed by published transcriptional studies. In summary, the available evidence is currently insufficient to determine the role of this variant in disease. Therefore, it has been classified as a Variant of Uncertain Significance.

Literature cited by the submitters: PubMed 30287823 (cited by Ambry Genetics).

NM_000051.4(ATM):c.4673C>A (p.Thr1558Lys)

Gene: ATM (ATM serine/threonine kinase; plus strand). Cytogenetic location: 11q22.3.
Variant type: single nucleotide variant.
Coding change: c.4673C>A on transcript NM_000051.4 (MANE Select); coding-DNA position 4673, C replaced by A.
Protein change: p.Thr1558Lys; replaces threonine 1558 with lysine.
Molecular consequence: missense variant.
Genome position (GRCh38, 1-based): chr11:108,293,374, C>A. VCF-style: chr11-108293374-C-A. GRCh37 (hg19) VCF-style: chr11-108164101-C-A.
Other names: c.4673C>A, p.Thr1558Lys (NM_001351834.2); short protein forms T1558K.
Identifiers: ClinVar variation 1001695 (VCV001001695.12), dbSNP rs587781712, ClinGen allele CA382534702.
Genomic context (GRCh38, chr11:108,293,374, plus strand): 5'-TATTGGACTTGTTGAAATACTTAGTGATAGATAACAAGGATAATGAAAACCTCTATATCA[C>A]GATTAAGCTTTTAGATCCTTTTCCTGACCATGTTGTTTTTAAGGATTTGCGTATTACTCA-3'
Protein context (NP_000042.3, residues 1548-1568): DNKDNENLYI[Thr1558Lys]IKLLDPFPDH